The following is an entry in ClinVar:

NM_015450.3(POT1):c.1358T>G (p.Leu453Arg)

Gene: POT1 (protection of telomeres 1; minus strand). Cytogenetic location: 7q31.33.
Variant type: single nucleotide variant.
Coding change: c.1358T>G on transcript NM_015450.3 (MANE Select); coding-DNA position 1358, T replaced by G.
Protein change: p.Leu453Arg; replaces leucine 453 with arginine.
Molecular consequence: missense variant. On other transcripts: non-coding transcript variant (3).
Genome position (GRCh38, 1-based): chr7:124,840,984, A>C on the plus strand (T>G on the coding strand, the complement: POT1 is on the minus strand). VCF-style: chr7-124840984-A-C. GRCh37 (hg19) VCF-style: chr7-124481038-A-C.
Other names: c.965T>G, p.Leu322Arg (NM_001042594.2); short protein forms L453R, L322R.
Identifiers: ClinVar variation 2450565 (VCV002450565.3), dbSNP rs2485394096, ClinGen allele CA369066621.

ClinVar aggregate classification (germline): Uncertain significance (1 of 4 stars; one submission).

Conditions:
Hereditary cancer-predisposing syndrome. Also called: Neoplastic Syndromes, Hereditary; Tumor predisposition; Hereditary neoplastic syndrome; Hereditary Cancer Syndrome. Identifiers: Orphanet 140162, MedGen C0027672, MeSH D009386, MONDO:0015356.

Submission:

Ambry Genetics
Classification: Uncertain significance for Hereditary cancer-predisposing syndrome. Last evaluated: 2023-03-19. Review status: criteria provided, single submitter. Criteria: Ambry Variant Classification Scheme 2023. Collection method: clinical testing. Allele origin: germline.
Comment: The p.L453R variant (also known as c.1358T>G), located in coding exon 10 of the POT1 gene, results from a T to G substitution at nucleotide position 1358. The leucine at codon 453 is replaced by arginine, an amino acid with dissimilar properties. This amino acid position is conserved. In addition, the in silico prediction for this alteration is inconclusive. Since supporting evidence is limited at this time, the clinical significance of this alteration remains unclear.